The following is an entry in ClinVar:

NM_001735.3(C5):c.612A>C (p.Lys204Asn)

Gene: C5 (complement C5; minus strand). Cytogenetic location: 9q33.2.
Variant type: single nucleotide variant.
Coding change: c.612A>C on transcript NM_001735.3 (MANE Select); coding-DNA position 612, A replaced by C.
Protein change: p.Lys204Asn; replaces lysine 204 with asparagine.
Molecular consequence: missense variant.
Genome position (GRCh38, 1-based): chr9:121,032,168, T>G on the plus strand (A>C on the coding strand, the complement: C5 is on the minus strand). VCF-style: chr9-121032168-T-G. GRCh37 (hg19) VCF-style: chr9-123794446-T-G.
Other names: c.630A>C, p.Lys210Asn (NM_001317163.2); c.612A>C, p.Lys204Asn (NM_001317164.2); short protein forms K210N, K204N.
Identifiers: ClinVar variation 1373403 (VCV001373403.6), dbSNP rs2131799136, ClinGen allele CA374758448.
Genomic context (GRCh38, chr9:121,032,168, plus strand): 5'-ATTACCATATTCTTTAACTTCAAAATATGCGGTTCCAGTTGTTGAAAAGTCCTCTTTATA[T>G]TTAGCCTTGATCGTCCACATACCATATCTGTGGAAGCAAAATATTTAAAATTATAGATGT-3'
Protein context (NP_001726.2, residues 194-214): PRYGMWTIKA[Lys204Asn]YKEDFSTTGT

ClinVar aggregate classification (germline): Uncertain significance (1 of 4 stars; one submission).

Submission:

Labcorp Genetics (formerly Invitae), Labcorp
Classification: Uncertain significance. Last evaluated: 2021-08-08. Review status: criteria provided, single submitter. Criteria: Invitae Variant Classification Sherloc (09022015). Collection method: clinical testing. Allele origin: germline.
Comment: This sequence change replaces lysine with asparagine at codon 204 of the C5 protein (p.Lys204Asn). The lysine residue is weakly conserved and there is a moderate physicochemical difference between lysine and asparagine. This variant is not present in population databases (ExAC no frequency). This variant has not been reported in the literature in individuals affected with C5-related conditions. Algorithms developed to predict the effect of missense changes on protein structure and function (SIFT, PolyPhen-2, Align-GVGD) all suggest that this variant is likely to be tolerated. In summary, the available evidence is currently insufficient to determine the role of this variant in disease. Therefore, it has been classified as a Variant of Uncertain Significance.